The following is an entry in ClinVar:

ClinVar aggregate classification (germline): Likely benign (1 of 4 stars; one submission).

Allele frequency attached by ClinVar (database versions not stated): gnomAD exomes 0.00001 and 0.00005; gnomAD 0.00001; TOPMed 0.00004; ESP Exome Variant Server 0.00022.
gnomAD v4.1: 68 of 1,525,592 alleles (0.0045%); highest among the groups gnomAD compares: Non-Finnish European, 0.0059%; no homozygotes.

Submission:

GeneDx
Classification: Likely benign. Last evaluated: 2017-11-06. Review status: criteria provided, single submitter. Criteria: GeneDx Variant Classification (06012015). Collection method: clinical testing. Allele origin: germline. Affected: yes.
Comment: This variant is considered likely benign or benign based on one or more of the following criteria: it is a conservative change, it occurs at a poorly conserved position in the protein, it is predicted to be benign by multiple in silico algorithms, and/or has population frequency not consistent with disease.

NM_001145308.5(LRTOMT):c.537C>T (p.Ala179=)

Genes: ANAPC15 (anaphase promoting complex subunit 15; minus strand), LRTOMT (leucine rich transmembrane and O-methyltransferase domain containing; plus strand), TOMT (transmembrane O-methyltransferase; plus strand). Cytogenetic location: 11q13.4.
Variant type: single nucleotide variant.
Coding change: c.537C>T on transcript NM_001145308.5; coding-DNA position 537, C replaced by T.
Protein change: p.Ala179=; no amino-acid change (alanine 179 retained).
Molecular consequence: synonymous variant. On other transcripts: intron variant (7), 3 prime UTR variant (3), non-coding transcript variant (1).
Genome position (GRCh38, 1-based): chr11:72,108,101, C>T. VCF-style: chr11-72108101-C-T. GRCh37 (hg19) VCF-style: chr11-71819147-C-T.
Other names: c.319-496G>A (NM_001393429.1, NM_001393428.1, NM_001393427.1 and 3 more transcripts); c.438C>T, p.Ala146= (NM_001393500.2); c.537C>T, p.Ala179= (NM_001145309.4); c.417C>T, p.Ala139= (NM_001145310.4); c.*718G>A (NM_001393443.1, NM_001393444.1, NM_001393445.1); c.64-496G>A (NM_001393459.1).
Identifiers: ClinVar variation 513080 (VCV000513080.3), dbSNP rs369940242, ClinGen allele CA224375338.
Genomic context (GRCh38, chr11:72,108,101, plus strand): 5'-TCTTACTGTGGAGCGGGACCCACGCACGGCAGCAGTGGCTGAAAAACTCATCCGCCTGGC[C>T]GGCTTTGATGAGCACATGGTCAGCCTCCCATCTCCCCAACCCAGATTTTTGTCACCCCAG-3'